The following is an entry in ClinVar:

ClinVar aggregate classification (germline): Pathogenic/Likely pathogenic. Review status: criteria provided, multiple submitters, no conflicts (2 of 4 stars). 4 submissions from 4 submitters: Pathogenic (2); Likely pathogenic (1). 1 of the submissions does not count toward it. Last evaluated 2026-01-21.

Conditions:
DE SANCTIS-CACCHIONE SYNDROME. Identifiers: MedGen C0265201, MONDO:0010217, OMIM 278800.
Cerebrooculofacioskeletal syndrome 1 (COFS1). Also called: Cerebro-oculo-facio-skeletal syndrome 1. Identifiers: MedGen C0220722, MONDO:0008955, OMIM 214150.
Cockayne syndrome type 2 (CSB). Also called: COCKAYNE SYNDROME B; Cockayne Syndrome, Type II. Identifiers: Orphanet 191, Orphanet 90322, MedGen C0751038, MONDO:0019570, OMIM 133540.
Cockayne syndrome. Identifiers: Orphanet 191, MedGen C0009207, MONDO:0016006.

gnomAD v4.1: 45 of 1,614,098 alleles (0.0028%); highest among the groups gnomAD compares: Non-Finnish European, 0.0037%; no homozygotes.

Submissions (4):

Labcorp Genetics (formerly Invitae), Labcorp
Classification: Pathogenic. Last evaluated: 2026-01-21. Review status: criteria provided, single submitter. Criteria: Invitae Variant Classification Sherloc (09022015). Collection method: clinical testing. Allele origin: germline.
Comment: This sequence change creates a premature translational stop signal (p.Arg652*) in the ERCC6 gene. It is expected to result in an absent or disrupted protein product. Loss-of-function variants in ERCC6 are known to be pathogenic (PMID: 18628313, 29572252). This variant is present in population databases (rs767247987, gnomAD 0.003%). This premature translational stop signal has been observed in individual(s) with Cockayne syndrome (PMID: 19894250, 29572252). ClinVar contains an entry for this variant (Variation ID: 190155). Algorithms developed to predict the effect of sequence changes on RNA splicing suggest that this variant may create or strengthen a splice site. For these reasons, this variant has been classified as Pathogenic.

Women's Health and Genetics/Laboratory Corporation of America, LabCorp
Classification: Pathogenic for Cockayne syndrome. Last evaluated: 2023-12-15. Review status: criteria provided, single submitter. Criteria: LabCorp Variant Classification Summary - May 2015. Collection method: clinical testing. Allele origin: germline.
Comment: Variant summary: ERCC6 c.1954C>T (p.Arg652X) results in a premature termination codon, predicted to cause a truncation of the encoded protein or absence of the protein due to nonsense mediated decay, which are commonly known mechanisms for disease. Variants downstream of this position have been classified as pathogenic by our laboratory. The variant allele was found at a frequency of 1.6e-05 in 251240 control chromosomes. c.1954C>T has been reported in the literature in individuals affected with Cockayne Syndrome. These data indicate that the variant may be associated with disease. To our knowledge, no experimental evidence demonstrating an impact on protein function has been reported. The following publication have been ascertained in the context of this evaluation (PMID: 19894250). Two submitters have cited clinical-significance assessments for this variant to ClinVar after 2014. All submitters classified the variant as pathogenic/likely pathogenic. Based on the evidence outlined above, the variant was classified as pathogenic.

Claritas Genomics
Classification: Likely pathogenic for Cockayne syndrome, type B. Last evaluated: 2013-10-21. Review status: criteria provided, single submitter. Criteria: ACMG Guidelines, 2007. Collection method: clinical testing. Allele origin: germline. Inheritance: Autosomal recessive inheritance.

Counsyl
Classification: Likely pathogenic for Cockayne syndrome type 2; Cerebrooculofacioskeletal syndrome 1; DE SANCTIS-CACCHIONE SYNDROME. Last evaluated: 2017-05-12. Review status: no assertion criteria provided. Collection method: clinical testing. Allele origin: unknown. Not counted in ClinVar's aggregate classification.

Literature cited by the submitters: PubMed 18628313 (cited by Labcorp Genetics (formerly Invitae), Labcorp); PubMed 29572252 (cited by Labcorp Genetics (formerly Invitae), Labcorp); PubMed 19894250 (cited by 3 submitters).

NM_000124.4(ERCC6):c.1954C>T (p.Arg652Ter)

Gene: ERCC6 (ERCC excision repair 6, chromatin remodeling factor; minus strand). Cytogenetic location: 10q11.23.
Variant type: single nucleotide variant.
Coding change: c.1954C>T on transcript NM_000124.4 (MANE Select); coding-DNA position 1954, C replaced by T.
Protein change: p.Arg652Ter; replaces arginine 652 with a stop codon.
Molecular consequence: nonsense.
Genome position (GRCh38, 1-based): chr10:49,483,384, G>A on the plus strand (C>T on the coding strand, the complement: ERCC6 is on the minus strand). VCF-style: chr10-49483384-G-A. GRCh37 (hg19) VCF-style: chr10-50691430-G-A.
Other names: c.1954C>T, p.Arg652Ter (NM_001346440.2); short protein forms R652*.
Identifiers: ClinVar variation 190155 (VCV000190155.10), dbSNP rs767247987, ClinGen allele CA274694.
Genomic context (GRCh38, chr10:49,483,384, plus strand): 5'-CCCTTGTTAAAAGAGGTCATACCTGTTTGCAAGCAAGGGTGACAGCAGCATTTGGATTTC[G>A]AATTTTGTGTCCTTCGTCCAAGATCACATAGTGCCAGTCATACCTGCTAATGTCATCCTG-3'